The following is an entry in ClinVar:

NM_002739.5(PRKCG):c.380A>G (p.Gln127Arg)

Gene: PRKCG (protein kinase C gamma; plus strand). Cytogenetic location: 19q13.42.
Variant type: single nucleotide variant.
Coding change: c.380A>G on transcript NM_002739.5 (MANE Select); coding-DNA position 380, A replaced by G.
Protein change: p.Gln127Arg; replaces glutamine 127 with arginine.
Molecular consequence: missense variant.
Genome position (GRCh38, 1-based): chr19:53,889,732, A>G. VCF-style: chr19-53889732-A-G. GRCh37 (hg19) VCF-style: chr19-54392986-A-G.
Other names: c.380a>g; c.380A>G, p.Gln127Arg (NM_001316329.2, LRG_669t1); short protein forms Q127R.
Identifiers: ClinVar variation 13248 (VCV000013248.4), dbSNP rs121918515, ClinGen allele CA341266.

ClinVar aggregate classification (germline): Pathogenic. Review status: criteria provided, multiple submitters, no conflicts (2 of 4 stars). 4 submissions from 4 submitters: Pathogenic (2). 2 of the submissions do not count toward it. Last evaluated 2025-06-30.

Conditions:
Spinocerebellar ataxia type 14 (SCA14). Identifiers: Orphanet 98763, MedGen C1854369, MONDO:0011540, OMIM 605361.

Submissions (4):

GeneDx
Classification: Pathogenic. Last evaluated: 2025-06-30. Review status: criteria provided, single submitter. Criteria: GeneDx Variant Classification Process June 2021. Collection method: clinical testing. Allele origin: germline. Affected: yes.
Comment: Published functional studies demonstrate a damaging effect and show that this variant has abnormal aggregation, decreased phosphorylation sites for PKC activation, increased cell death with increased expression, and higher kinase activity (PMID: 18499672, 15964845); In silico analysis supports that this missense variant has a deleterious effect on protein structure/function; Not observed at significant frequency in large population cohorts (gnomAD); This variant is associated with the following publications: (PMID: 37970274, 40328798, 15804048, 17024314, 25217572, 17149711, 30093405, 15964845, 18499672, 16547918, 32367327, 16189624, 21827914, 18986758, 37101238, 14676051)

Athena Diagnostics
Classification: Pathogenic. Last evaluated: 2017-07-20. Review status: criteria provided, single submitter. Criteria: Athena Diagnostics Criteria. Collection method: clinical testing. Allele origin: germline.

GeneReviews
Classification: Pathogenic for Spinocerebellar Ataxia Type14. Last evaluated: 2013-04-18. Review status: no assertion criteria provided. Collection method: curation. Allele origin: unknown. Not counted in ClinVar's aggregate classification.
ClinVar note: Converted during submission from pathologic to Pathogenic.

OMIM
Classification: Pathogenic for SPINOCEREBELLAR ATAXIA 14. Last evaluated: 2003-12-01. Review status: no assertion criteria provided. Collection method: literature only. Allele origin: germline. Not counted in ClinVar's aggregate classification.

Literature cited by the submitters: PubMed 14676051 (cited by Athena Diagnostics and OMIM); PubMed 15964845 (cited by Athena Diagnostics); PubMed 18499672 (cited by Athena Diagnostics).